The following is an entry in ClinVar:

NM_003482.4(KMT2D):c.1719T>G (p.Ser573=)

Gene: KMT2D (lysine methyltransferase 2D; minus strand). Cytogenetic location: 12q13.12.
Variant type: single nucleotide variant.
Coding change: c.1719T>G on transcript NM_003482.4 (MANE Select); coding-DNA position 1719, T replaced by G.
Protein change: p.Ser573=; no amino-acid change (serine 573 retained).
Molecular consequence: synonymous variant.
Genome position (GRCh38, 1-based): chr12:49,051,964, A>C on the plus strand (T>G on the coding strand, the complement: KMT2D is on the minus strand). VCF-style: chr12-49051964-A-C. GRCh37 (hg19) VCF-style: chr12-49445747-A-C.
Identifiers: ClinVar variation 4996732 (VCV004996732.1).

ClinVar aggregate classification (germline): Likely benign (1 of 4 stars; one submission).

Conditions:
KMT2D-related disorder. Also called: KMT2D-Related Disorders.

Submission:

PreventionGenetics, part of Exact Sciences
Classification: Likely benign for KMT2D-related condition. Last evaluated: 2025-04-09. Review status: criteria provided, single submitter. Criteria: ACMG Guidelines, 2015. Collection method: clinical testing. Allele origin: germline.
Comment: This variant is classified as likely benign based on ACMG/AMP sequence variant interpretation guidelines (Richards et al. 2015 PMID: 25741868, with internal and published modifications).